The following is an entry in ClinVar:

ClinVar aggregate classification (germline): Uncertain significance (1 of 4 stars; one submission).

gnomAD v4.1: 1 of 1,608,098 alleles (0.000062%); no homozygotes.

Submission:

GeneDx
Classification: Uncertain significance. Last evaluated: 2025-03-11. Review status: criteria provided, single submitter. Criteria: GeneDx Variant Classification Process June 2021. Collection method: clinical testing. Allele origin: germline. Affected: yes.
Comment: Not observed at significant frequency in large population cohorts (gnomAD); In silico analysis supports that this missense variant has a deleterious effect on protein structure/function; Has not been previously published as pathogenic or benign to our knowledge

NM_000168.6(GLI3):c.2824C>A (p.Pro942Thr)

Gene: GLI3 (GLI family zinc finger 3; minus strand). Cytogenetic location: 7p14.1.
Variant type: single nucleotide variant.
Coding change: c.2824C>A on transcript NM_000168.6 (MANE Select); coding-DNA position 2824, C replaced by A.
Protein change: p.Pro942Thr; replaces proline 942 with threonine.
Molecular consequence: missense variant.
Genome position (GRCh38, 1-based): chr7:41,966,249, G>T on the plus strand (C>A on the coding strand, the complement: GLI3 is on the minus strand). VCF-style: chr7-41966249-G-T. GRCh37 (hg19) VCF-style: chr7-42005847-G-T.
Other names: short protein forms P942T.
Identifiers: ClinVar variation 4083441 (VCV004083441.1).